The following is an entry in ClinVar:

NM_005026.5(PIK3CD):c.1699C>G (p.Leu567Val)

Gene: PIK3CD (phosphatidylinositol-4,5-bisphosphate 3-kinase catalytic subunit delta; plus strand). Cytogenetic location: 1p36.22.
Variant type: single nucleotide variant.
Coding change: c.1699C>G on transcript NM_005026.5 (MANE Select); coding-DNA position 1699, C replaced by G.
Protein change: p.Leu567Val; replaces leucine 567 with valine.
Molecular consequence: missense variant.
Genome position (GRCh38, 1-based): chr1:9,721,136, C>G. VCF-style: chr1-9721136-C-G. GRCh37 (hg19) VCF-style: chr1-9781194-C-G.
Other names: c.1696C>G, p.Leu566Val (NM_001350234.2); c.1612C>G, p.Leu538Val (NM_001350235.1); short protein forms L566V, L538V, L567V.
Identifiers: ClinVar variation 2746912 (VCV002746912.3), dbSNP rs2525052542, ClinGen allele CA338304110.

ClinVar aggregate classification (germline): Uncertain significance (1 of 4 stars; one submission).

Conditions:
Immunodeficiency 14 (IMD14A). Also called: p110-DELTA-ACTIVATING MUTATION CAUSING SENESCENT T CELLS, LYMPHADENOPATHY, AND IMMUNODEFICIENCY; IMMUNODEFICIENCY 14A WITH LYMPHOPROLIFERATION, AUTOSOMAL DOMINANT; ACTIVATED PI3K-DELTA SYNDROME 1; Activated PI3K Delta Syndrome Type 1 (APDS1). Identifiers: Orphanet 397596, Orphanet 693661, MedGen C5907821, MONDO:0014222, OMIM 615513.

Submission:

Labcorp Genetics (formerly Invitae), Labcorp
Classification: Uncertain significance for Activated PI3K-delta syndrome. Last evaluated: 2023-11-16. Review status: criteria provided, single submitter. Criteria: Invitae Variant Classification Sherloc (09022015). Collection method: clinical testing. Allele origin: germline.
Comment: This sequence change replaces leucine, which is neutral and non-polar, with valine, which is neutral and non-polar, at codon 567 of the PIK3CD protein (p.Leu567Val). This variant is not present in population databases (gnomAD no frequency). This variant has not been reported in the literature in individuals affected with PIK3CD-related conditions. Advanced modeling of protein sequence and biophysical properties (such as structural, functional, and spatial information, amino acid conservation, physicochemical variation, residue mobility, and thermodynamic stability) performed at Invitae indicates that this missense variant is expected to disrupt PIK3CD protein function with a positive predictive value of 80%. In summary, the available evidence is currently insufficient to determine the role of this variant in disease. Therefore, it has been classified as a Variant of Uncertain Significance.